The following is an entry in ClinVar:

NM_001113491.2(SEPTIN9):c.1195C>T (p.Arg399Cys)

Gene: SEPTIN9 (septin 9; plus strand). Cytogenetic location: 17q25.3.
Variant type: single nucleotide variant.
Coding change: c.1195C>T on transcript NM_001113491.2 (MANE Select); coding-DNA position 1195, C replaced by T.
Protein change: p.Arg399Cys; replaces arginine 399 with cysteine.
Molecular consequence: missense variant.
Genome position (GRCh38, 1-based): chr17:77,488,797, C>T. VCF-style: chr17-77488797-C-T. GRCh37 (hg19) VCF-style: chr17-75484879-C-T.
Other names: c.703C>T, p.Arg235Cys (NM_001113492.2, NM_001113494.1); c.1174C>T, p.Arg392Cys (NM_001113493.2); c.442C>T, p.Arg148Cys (NM_001113495.2, NM_001113496.2, NM_001293697.2 and 1 more transcripts); c.1138C>T, p.Arg380Cys (NM_001293695.2); c.523C>T, p.Arg175Cys (NM_001293696.2); c.1141C>T, p.Arg381Cys (NM_006640.5); short protein forms R148C, R175C, R235C, R380C, R381C, R392C, R399C.
Identifiers: ClinVar variation 2445532 (VCV002445532.4), dbSNP rs2039907622, ClinGen allele CA401209242.

ClinVar aggregate classification (germline): Uncertain significance (1 of 4 stars; one submission).

Allele frequency attached by ClinVar (database versions not stated): gnomAD exomes below 0.00001; TOPMed below 0.00001.

Submission:

Labcorp Genetics (formerly Invitae), Labcorp
Classification: Uncertain significance. Last evaluated: 2022-02-23. Review status: criteria provided, single submitter. Criteria: Invitae Variant Classification Sherloc (09022015). Collection method: clinical testing. Allele origin: germline.
Comment: Algorithms developed to predict the effect of missense changes on protein structure and function (SIFT, PolyPhen-2, Align-GVGD) all suggest that this variant is likely to be disruptive. In summary, the available evidence is currently insufficient to determine the role of this variant in disease. Therefore, it has been classified as a Variant of Uncertain Significance. This variant has not been reported in the literature in individuals affected with SEPT9-related conditions. This variant is not present in population databases (gnomAD no frequency). This sequence change replaces arginine, which is basic and polar, with cysteine, which is neutral and slightly polar, at codon 381 of the SEPT9 protein (p.Arg381Cys).